The following is an entry in ClinVar:

ClinVar aggregate classification (germline): Conflicting classifications of pathogenicity. Review status: criteria provided, conflicting classifications (1 of 4 stars). 2 submissions from 2 submitters: Uncertain significance (1); Benign (1). Last evaluated 2025-10-23.

Conditions:
SPTLC2-related disorder. Also called: SPTLC2-related condition.
Neuropathy, hereditary sensory and autonomic, type 1C. Also called: HSAN IC; HSN IC. Identifiers: Orphanet 36386, MedGen C3150896, MONDO:0013337, OMIM 613640.

Allele frequency attached by ClinVar (database versions not stated): gnomAD exomes below 0.00001 and 0.00001; ExAC 0.00002; TOPMed 0.00003.
gnomAD v4.1: 6 of 1,613,996 alleles (0.00037%); highest among the groups gnomAD compares: South Asian, 0.0033%; no homozygotes.

Submissions (2):

PreventionGenetics, part of Exact Sciences
Classification: Uncertain significance for SPTLC2-related condition. Last evaluated: 2025-10-23. Review status: criteria provided, single submitter. Criteria: ACMG Guidelines, 2015. Collection method: clinical testing. Allele origin: germline.
Comment: The SPTLC2 c.407G>A variant is predicted to result in the amino acid substitution p.Arg136Gln. This variant has been reported in an individual with amyotrophic lateral sclerosis (Li et al. 2023. PubMed ID: 36966328). This variant is reported in 0.0065% of alleles in individuals of South Asian descent in gnomAD. At this time, the clinical significance of this variant is uncertain due to the absence of conclusive functional and genetic evidence.

Illumina Laboratory Services, Illumina
Classification: Benign for Neuropathy, hereditary sensory and autonomic, type 1C. Last evaluated: 2018-01-12. Review status: criteria provided, single submitter. Criteria: ICSL Variant Classification Criteria 13 December 2019. Collection method: clinical testing. Allele origin: germline.
Comment: This variant was observed in the ICSL laboratory as part of a predisposition screen in an ostensibly healthy population. It had not been previously curated by ICSL or reported in the Human Gene Mutation Database (HGMD: prior to June 1st, 2018), and was therefore a candidate for classification through an automated scoring system. Utilizing variant allele frequency, disease prevalence and penetrance estimates, and inheritance mode, an automated score was calculated to assess if this variant is too frequent to cause the disease. Based on the score and internal cut-off values, a variant classified as benign is not then subjected to further curation. The score for this variant resulted in a classification of benign for this disease.

NM_004863.4(SPTLC2):c.407G>A (p.Arg136Gln)

Gene: SPTLC2 (serine palmitoyltransferase long chain base subunit 2; minus strand). Cytogenetic location: 14q24.3.
Variant type: single nucleotide variant.
Coding change: c.407G>A on transcript NM_004863.4 (MANE Select); coding-DNA position 407, G replaced by A.
Protein change: p.Arg136Gln; replaces arginine 136 with glutamine.
Molecular consequence: missense variant.
Genome position (GRCh38, 1-based): chr14:77,579,030, C>T on the plus strand (G>A on the coding strand, the complement: SPTLC2 is on the minus strand). VCF-style: chr14-77579030-C-T. GRCh37 (hg19) VCF-style: chr14-78045373-C-T.
Other names: short protein forms R136Q.
Identifiers: ClinVar variation 314679 (VCV000314679.6), dbSNP rs760762454, ClinGen allele CA7289451.
Genomic context (GRCh38, chr14:77,579,030, plus strand): 5'-TAATCATGAGACTGTCTCTCCATGATGTCCACCCTGGCTCCAGGCACACTACAGATTGGC[C>T]GATTCCAGTTGTCTCTTATCCTCATGTACAGATTCCTTGTATAAAAGTTTTCAAAATCTT-3'
Protein context (NP_004854.1, residues 126-146): LYMRIRDNWN[Arg136Gln]PICSVPGARV